The following is an entry in ClinVar:

NM_000257.4(MYH7):c.1180G>C (p.Asp394His)

Gene: MYH7 (myosin heavy chain 7; minus strand). Cytogenetic location: 14q11.2.
Variant type: single nucleotide variant.
Coding change: c.1180G>C on transcript NM_000257.4 (MANE Select); coding-DNA position 1180, G replaced by C.
Protein change: p.Asp394His; replaces aspartic acid 394 with histidine.
Molecular consequence: missense variant.
Genome position (GRCh38, 1-based): chr14:23,429,306, C>G on the plus strand (G>C on the coding strand, the complement: MYH7 is on the minus strand). VCF-style: chr14-23429306-C-G. GRCh37 (hg19) VCF-style: chr14-23898515-C-G.
Other names: short protein forms D394H.
Identifiers: ClinVar variation 517369 (VCV000517369.4), dbSNP rs397516093, ClinGen allele CA389051176.

ClinVar aggregate classification (germline): Uncertain significance (1 of 4 stars; one submission).

Submission:

Laboratory for Molecular Medicine, Mass General Brigham Personalized Medicine
Classification: Uncertain significance. Last evaluated: 2017-04-26. Review status: criteria provided, single submitter. Criteria: LMM Criteria. Collection method: clinical testing. Allele origin: germline. Observed: 1 variant allele.
Comment: Variant classified as Uncertain Significance - Favor Pathogenic. The p.Asp394His variant in MYH7 has not been previously reported in individuals with cardiomyop athy or in large population studies. Computational prediction tools and conserva tion analysis suggest that the p.Asp394His variant may impact the protein, thoug h this information is not predictive enough to determine pathogenicity. Of note, this variant lies in the head region of the protein. Missense variants in this region have been reported and statistically indicated to be more likely to cause disease (Walsh 2016). In summary, while there is some suspicion for a pathogeni c role, the clinical significance of the p.Asp394His variant is uncertain.

Literature cited by the submitters: PubMed 27532257.